The following is an entry in ClinVar:

NM_001077365.2(POMT1):c.1779G>C (p.Leu593Phe)

Gene: POMT1 (protein O-mannosyltransferase 1; plus strand). Cytogenetic location: 9q34.13.
Variant type: single nucleotide variant.
Coding change: c.1779G>C on transcript NM_001077365.2 (MANE Select); coding-DNA position 1779, G replaced by C.
Protein change: p.Leu593Phe; replaces leucine 593 with phenylalanine.
Molecular consequence: missense variant. On other transcripts: non-coding transcript variant (10).
Genome position (GRCh38, 1-based): chr9:131,521,426, G>C. VCF-style: chr9-131521426-G-C. GRCh37 (hg19) VCF-style: chr9-134396813-G-C.
Other names: p.Leu615Phe; c.1617G>C, p.Leu539Phe (NM_001077366.2, NM_001353194.2); c.1779G>C, p.Leu593Phe (NM_001136113.2); c.1428G>C, p.Leu476Phe (NM_001136114.2, NM_001353195.2, NM_001374691.1 and 2 more transcripts); c.1845G>C, p.Leu615Phe (NM_001353193.2, NM_007171.4); c.1689G>C, p.Leu563Phe (NM_001353196.2); c.1683G>C, p.Leu561Phe (NM_001353197.2, NM_001353198.2); c.1494G>C, p.Leu498Phe (NM_001353199.2); and 5 more; short protein forms L216F, L441F, L463F, L476F, L498F, L520F, L539F, L561F.
Identifiers: ClinVar variation 2683069 (VCV002683069.1), dbSNP rs764027446, ClinGen allele CA5293820.

ClinVar aggregate classification (germline): Uncertain significance (1 of 4 stars; one submission).

Allele frequency attached by ClinVar (database versions not stated): ExAC 0.00001; TOPMed 0.00002.
gnomAD v4.1: 1 of 1,614,146 alleles (0.000062%); highest among the groups gnomAD compares: East Asian, 0.0022%; no homozygotes.

Submission:

Mayo Clinic Laboratories, Mayo Clinic
Classification: Uncertain significance. Last evaluated: 2022-08-23. Review status: criteria provided, single submitter. Criteria: ACMG Guidelines, 2015. Collection method: clinical testing. Allele origin: germline. Observed: 1 variant allele.
Comment: BP4_strong, PM2